The following is an entry in ClinVar:

NM_001928.4(CFD):c.512T>C (p.Leu171Ser)

Gene: CFD (complement factor D; plus strand). Cytogenetic location: 19p13.3.
Variant type: single nucleotide variant.
Coding change: c.512T>C on transcript NM_001928.4 (MANE Select); coding-DNA position 512, T replaced by C.
Protein change: p.Leu171Ser; replaces leucine 171 with serine.
Molecular consequence: missense variant.
Genome position (GRCh38, 1-based): chr19:861,853, T>C. VCF-style: chr19-861853-T-C. GRCh37 (hg19) VCF-style: chr19-861853-T-C.
Other names: c.533T>C, p.Leu178Ser (NM_001317335.2); short protein forms L178S, L171S.
Identifiers: ClinVar variation 2126366 (VCV002126366.4), dbSNP rs2512178376, ClinGen allele CA402922848.

ClinVar aggregate classification (germline): Uncertain significance (1 of 4 stars; one submission).

Submission:

Labcorp Genetics (formerly Invitae), Labcorp
Classification: Uncertain significance. Last evaluated: 2022-04-15. Review status: criteria provided, single submitter. Criteria: Invitae Variant Classification Sherloc (09022015). Collection method: clinical testing. Allele origin: germline.
Comment: Algorithms developed to predict the effect of missense changes on protein structure and function are either unavailable or do not agree on the potential impact of this missense change (SIFT: "Not Available"; PolyPhen-2: "Probably Damaging"; Align-GVGD: "Not Available"). In summary, the available evidence is currently insufficient to determine the role of this variant in disease. Therefore, it has been classified as a Variant of Uncertain Significance. This variant has not been reported in the literature in individuals affected with CFD-related conditions. This variant is not present in population databases (gnomAD no frequency). This sequence change replaces leucine, which is neutral and non-polar, with serine, which is neutral and polar, at codon 171 of the CFD protein (p.Leu171Ser).